The following is an entry in ClinVar:

NM_001009944.3(PKD1):c.2719dup (p.His907fs)

Gene: PKD1 (polycystin 1, transient receptor potential channel interacting; minus strand). Cytogenetic location: 16p13.3.
Variant type: Duplication.
Coding change: c.2719dup on transcript NM_001009944.3 (MANE Select); coding-DNA position 2719, one base duplicated (C; older notation c.2719dupC).
Protein change: p.His907fs; shifts the reading frame from histidine 907.
Molecular consequence: frameshift variant.
Genome position (GRCh38, 1-based): chr16:2,114,304, G duplicated on the plus strand (C on the coding strand, the reverse complement: PKD1 is on the minus strand). VCF-style (leftmost placement, unchanged base first): chr16-2114303-T-TG. GRCh37 (hg19) VCF-style: chr16-2164304-T-TG.
Other names: c.2719dupC (NM_001009944.3, NM_001009944.2); c.2719dup, p.His907fs (NM_000296.4); short protein forms H907fs.
Identifiers: ClinVar variation 3629928 (VCV003629928.2).
Genomic context (GRCh38, chr16:2,114,303, plus strand): 5'-GTCACCCGCAGGCTGAGGTTGGCCCGGCTGGCGCTGTTTTCCACCACCACGTCCACCACG[T>TG]GCTCCCCCTCACTGAGCCACGGCAGTGCTACCACTGAGAACAGGGTATCGTTGGTCTCCC-3'

ClinVar aggregate classification (germline): Pathogenic. Review status: criteria provided, multiple submitters, no conflicts (2 of 4 stars). 2 submissions from 2 submitters: Pathogenic (2). Last evaluated 2025-12-04.

Conditions:
Polycystic kidney disease, adult type (PKD1). Also called: Polycystic Kidney Disease 1, Autosomal Dominant; Polycystic kidney disease 1; Polycystic kidney disease 1, severe; Polycystic Kidney, Autosomal Dominant; POLYCYSTIC KIDNEY DISEASE, ADULT, TYPE I; POLYCYSTIC KIDNEY DISEASE 1 WITH OR WITHOUT POLYCYSTIC LIVER DISEASE. Identifiers: MedGen C3149841, MONDO:0008263, OMIM 173900.
PKD1-related disorder. Also called: PKD1-related condition.

Submissions (2):

PreventionGenetics, part of Exact Sciences
Classification: Pathogenic for PKD1-related condition. Last evaluated: 2025-12-04. Review status: criteria provided, single submitter. Criteria: ACMG Guidelines, 2015. Collection method: clinical testing. Allele origin: germline.
Comment: The PKD1 c.2719dupC variant is predicted to result in a frameshift and premature protein termination (p.His907Profs*194). To our knowledge, this variant has not been reported in the literature or in a large population database (gnomAD), indicating this variant is rare. Frameshift variants in PKD1 are expected to be pathogenic. This variant is interpreted as pathogenic.

Women's Health and Genetics/Laboratory Corporation of America, LabCorp
Classification: Pathogenic for Polycystic kidney disease, adult type. Last evaluated: 2024-11-22. Review status: criteria provided, single submitter. Criteria: LabCorp Variant Classification Summary - May 2015. Collection method: clinical testing. Allele origin: germline.
Comment: Variant summary: PKD1 c.2719dupC (p.His907ProfsX194) results in a premature termination codon, predicted to cause absence of the protein due to nonsense mediated decay, which is a commonly known mechanism for disease. The variant was absent in 248546 control chromosomes. To our knowledge, no occurrence of c.2719dupC in individuals affected with Polycystic Kidney Disease 1 and no experimental evidence demonstrating its impact on protein function have been reported. No submitters have cited clinical-significance assessments for this variant to ClinVar. Based on the evidence outlined above, the variant was classified as pathogenic.